The following is an entry in ClinVar:

NC_000004.11:g.(?_128802290)_(128886288_?)dup

Genes: PLK4 (polo like kinase 4; plus strand), MFSD8 (major facilitator superfamily domain containing 8; minus strand). Cytogenetic location: 4q28.2.
Variant type: Duplication.
Identifiers: ClinVar variation 2427416 (VCV002427416.3).

ClinVar aggregate classification (germline): Uncertain significance (1 of 4 stars; one submission).

Conditions:
Neuronal ceroid lipofuscinosis 7 (CLN7). Also called: MFSD8-Related Neuronal Ceroid-Lipofuscinosis. Identifiers: Orphanet 168491, Orphanet 228366, MedGen C1838571, MONDO:0012588, OMIM 610951.

Submission:

Labcorp Genetics (formerly Invitae), Labcorp
Classification: Uncertain significance for Neuronal ceroid lipofuscinosis 7. Last evaluated: 2022-09-13. Review status: criteria provided, single submitter. Criteria: Invitae Variant Classification Sherloc (09022015). Collection method: clinical testing. Allele origin: germline.
Comment: A copy number gain of the genomic region encompassing the full coding sequence of the MFSD8 gene has been identified. The boundaries of this event are unknown as they extend beyond the assayed region for this gene and therefore may encompass additional genes. As the precise location of this event is unknown, it may be in tandem or it may be located elsewhere in the genome. This variant has not been reported in the literature in individuals affected with MFSD8-related conditions. In summary, the available evidence is currently insufficient to determine the role of this variant in disease. Therefore, it has been classified as a Variant of Uncertain Significance.